The following is an entry in ClinVar:

NM_201253.3(CRB1):c.1431del (p.Ser478fs)

Gene: CRB1 (crumbs cell polarity complex component 1; plus strand). Cytogenetic location: 1q31.3.
Variant type: Deletion.
Coding change: c.1431del on transcript NM_201253.3 (MANE Select); coding-DNA position 1431, one base deleted (G; older notation c.1431delG).
Protein change: p.Ser478fs; shifts the reading frame from serine 478.
Molecular consequence: frameshift variant. On other transcripts: non-coding transcript variant (2).
Genome position (GRCh38, 1-based): chr1:197,421,259, G deleted; the last of 3 consecutive G bases (chr1:197,421,257-197,421,259); deleting any one gives the same sequence. VCF-style (leftmost placement, unchanged base first): chr1-197421256-CG-C. GRCh37 (hg19) VCF-style: chr1-197390386-CG-C.
Other names: c.1431del (NM_201253.2); c.1095del, p.Ser366fs (NM_001193640.2); c.1224del, p.Ser409fs (NM_001257965.2); c.1431del, p.Ser478fs (NM_001257966.2); c.1431delG (NM_201253.3); short protein forms S409fs, S478fs, S366fs.
Identifiers: ClinVar variation 446253 (VCV000446253.14), dbSNP rs1553260321, ClinGen allele CA658795576.

ClinVar aggregate classification (germline): Pathogenic. Review status: criteria provided, multiple submitters, no conflicts (2 of 4 stars). 8 submissions from 6 submitters: Pathogenic (8). Last evaluated 2025-02-04.

Conditions:
Macular dystrophy. Identifiers: MedGen C0730292, HP:0007754.
Retinitis pigmentosa 12 (RP12). Also called: RP WITH OR WITHOUT PRESERVED PARAARTERIOLE RETINAL PIGMENT EPITHELIUM; RETINITIS PIGMENTOSA WITH OR WITHOUT PARAARTERIOLAR PRESERVATION OF RETINAL PIGMENT EPITHELIUM; RP WITH OR WITHOUT PPRPE. Identifiers: Orphanet 791, MedGen C1838647, MONDO:0010818, OMIM 600105.
Pigmented paravenous retinochoroidal atrophy. Identifiers: Orphanet 251295, MedGen C1868310, MONDO:0008246, OMIM 172870.
Leber congenital amaurosis 8 (LCA8). Identifiers: Orphanet 65, MedGen C3151202, MONDO:0013453, OMIM 613835.
Leber congenital amaurosis (LCA). Also called: Leber's amaurosis. Identifiers: Orphanet 65, MedGen C0339527, MeSH D057130, MONDO:0018998.

Submissions (8):

Natera, Inc.
Classification: Pathogenic for Leber congenital amaurosis. Last evaluated: 2025-02-04. Review status: criteria provided, single submitter. Criteria: Natera Variant Classification Schema (03/2026). Collection method: clinical testing. Allele origin: germline.
Comment: The c.1431del variant in CRB1 is a frameshift variant predicted to shift the reading frame beginning at codon 478 and leads to a stop codon 24 codons downstream. This variant is expected to result in nonsense mediated decay, truncation, or a dysfunctional protein product. This variant is rare in the general population with a frequency below the threshold expected for the associated phenotype(s). This variant has been observed in one or more individuals affected with the associated recessive disease, as either homozygous or compound heterozygous with a second variant (PMID: 29391521). Given the available evidence, this variant is classified as Pathogenic.

Fulgent Genetics
Classification: Pathogenic for Pigmented paravenous retinochoroidal atrophy; Retinitis pigmentosa 12; Leber congenital amaurosis 8. Last evaluated: 2024-04-07. Review status: criteria provided, single submitter. Criteria: ACMG Guidelines, 2015. Collection method: clinical testing. Allele origin: germline.

Baylor Genetics
Classification: Pathogenic for Leber congenital amaurosis 8. Last evaluated: 2023-12-24. Review status: criteria provided, single submitter. Criteria: ACMG Guidelines, 2015. Collection method: clinical testing. Allele origin: unknown.

Labcorp Genetics (formerly Invitae), Labcorp
Classification: Pathogenic for Leber congenital amaurosis 8; Retinitis pigmentosa 12. Last evaluated: 2023-09-08. Review status: criteria provided, single submitter. Criteria: Invitae Variant Classification Sherloc (09022015). Collection method: clinical testing. Allele origin: germline.
Comment: This sequence change creates a premature translational stop signal (p.Ser478Profs*24) in the CRB1 gene. It is expected to result in an absent or disrupted protein product. Loss-of-function variants in CRB1 are known to be pathogenic (PMID: 10508521, 22065545, 23379534, 25412400, 26957898, 28041643, 29391521). This variant is not present in population databases (gnomAD no frequency). This premature translational stop signal has been observed in individual(s) with macular dystrophy (PMID: 29391521). ClinVar contains an entry for this variant (Variation ID: 446253). For these reasons, this variant has been classified as Pathogenic.

Genome-Nilou Lab
Classification: Pathogenic for Leber congenital amaurosis 8. Last evaluated: 2023-04-11. Review status: criteria provided, single submitter. Criteria: ACMG Guidelines, 2015. Collection method: clinical testing. Allele origin: germline. Affected: no.

Genome-Nilou Lab
Classification: Pathogenic for Pigmented paravenous retinochoroidal atrophy. Last evaluated: 2023-04-11. Review status: criteria provided, single submitter. Criteria: ACMG Guidelines, 2015. Collection method: clinical testing. Allele origin: germline. Affected: no.

Genome-Nilou Lab
Classification: Pathogenic for Retinitis pigmentosa 12. Last evaluated: 2023-04-11. Review status: criteria provided, single submitter. Criteria: ACMG Guidelines, 2015. Collection method: clinical testing. Allele origin: germline. Affected: no.

Leeds Institute of Medical Research, University of Leeds
Classification: Pathogenic for Macular dystrophy. Last evaluated: 2017-10-27. Review status: criteria provided, single submitter. Criteria: Khan et al. (Eur J Hum Genet. 2018). Collection method: research. Allele origin: germline. Affected: yes.

Literature cited by the submitters: PubMed 29391521 (cited by Natera, Inc. and Labcorp Genetics (formerly Invitae), Labcorp); PubMed 10508521 (cited by Labcorp Genetics (formerly Invitae), Labcorp); PubMed 22065545 (cited by Labcorp Genetics (formerly Invitae), Labcorp); PubMed 23379534 (cited by Labcorp Genetics (formerly Invitae), Labcorp); PubMed 25412400 (cited by Labcorp Genetics (formerly Invitae), Labcorp); PubMed 26957898 (cited by Labcorp Genetics (formerly Invitae), Labcorp); PubMed 28041643 (cited by Labcorp Genetics (formerly Invitae), Labcorp).